The following is an entry in ClinVar:

NM_001378609.3(OTOGL):c.6869T>C (p.Val2290Ala)

Gene: OTOGL (otogelin like; plus strand). Cytogenetic location: 12q21.31.
Variant type: single nucleotide variant.
Coding change: c.6869T>C on transcript NM_001378609.3 (MANE Select); coding-DNA position 6869, T replaced by C.
Protein change: p.Val2290Ala; replaces valine 2290 with alanine.
Molecular consequence: missense variant.
Genome position (GRCh38, 1-based): chr12:80,377,855, T>C. VCF-style: chr12-80377855-T-C. GRCh37 (hg19) VCF-style: chr12-80771635-T-C.
Other names: c.6734T>C, p.Val2245Ala (NM_001368062.3); c.6869T>C, p.Val2290Ala (NM_001378610.3, NM_173591.7); short protein forms V2245A, V2290A.
Identifiers: ClinVar variation 3207268 (VCV003207268.3), dbSNP rs138352437, ClinGen allele CA6702189.

ClinVar aggregate classification (germline): Uncertain significance. Review status: criteria provided, multiple submitters, no conflicts (2 of 4 stars). 2 submissions from 2 submitters: Uncertain significance (2). Last evaluated 2025-12-16.

Conditions:
Inborn genetic diseases. Identifiers: MedGen C0950123, MeSH D030342.

Allele frequency attached by ClinVar (database versions not stated): gnomAD exomes 0.00001; ExAC 0.00006; 1000 Genomes Project 30x 0.00016; 1000 Genomes Project 0.00020; TOPMed 0.00021; gnomAD 0.00023; ESP Exome Variant Server 0.00031.
gnomAD v4.1: 56 of 1,605,988 alleles (0.0035%); highest among the groups gnomAD compares: African/African-American, 0.071%; no homozygotes.

Submissions (2):

Ambry Genetics
Classification: Uncertain significance for Inborn genetic diseases. Last evaluated: 2025-12-16. Review status: criteria provided, single submitter. Criteria: Ambry Variant Classification Scheme 2023. Collection method: clinical testing. Allele origin: germline.

GeneDx
Classification: Uncertain significance. Last evaluated: 2025-01-09. Review status: criteria provided, single submitter. Criteria: GeneDx Variant Classification Process June 2021. Collection method: clinical testing. Allele origin: germline. Affected: yes.
Comment: In silico analysis supports that this missense variant has a deleterious effect on protein structure/function; Has not been previously published as pathogenic or benign to our knowledge